The following is an entry in ClinVar:

ClinVar aggregate classification (germline): Uncertain significance (1 of 4 stars; one submission).

Submission:

GeneDx
Classification: Uncertain significance. Last evaluated: 2023-07-24. Review status: criteria provided, single submitter. Criteria: GeneDx Variant Classification Process June 2021. Collection method: clinical testing. Allele origin: germline. Affected: yes.
Comment: Not observed at significant frequency in large population cohorts (gnomAD); Has not been previously published as pathogenic or benign to our knowledge; Frameshift variant predicted to result in protein truncation as the last 85 amino acids are replaced with 16 different amino acids in a gene for which loss-of-function is not a known mechanism of disease

NM_005027.4(PIK3R2):c.1931del (p.Phe644fs)

Gene: PIK3R2 (phosphoinositide-3-kinase regulatory subunit 2; plus strand). Cytogenetic location: 19p13.11.
Variant type: Deletion.
Coding change: c.1931del on transcript NM_005027.4 (MANE Select); coding-DNA position 1931, one base deleted (T; older notation c.1931delT).
Protein change: p.Phe644fs; shifts the reading frame from phenylalanine 644.
Molecular consequence: frameshift variant. On other transcripts: non-coding transcript variant (2).
Genome position (GRCh38, 1-based): chr19:18,168,848, T deleted; the last of 2 consecutive T bases (chr19:18,168,847-18,168,848); deleting either gives the same sequence. VCF-style (leftmost placement, unchanged base first): chr19-18168846-CT-C. GRCh37 (hg19) VCF-style: chr19-18279656-CT-C.
Other names: short protein forms F644fs.
Identifiers: ClinVar variation 3361271 (VCV003361271.1).